The following is an entry in ClinVar:

ClinVar aggregate classification (germline): Uncertain significance. Review status: criteria provided, multiple submitters, no conflicts (2 of 4 stars). 2 submissions from 2 submitters: Uncertain significance (2). Last evaluated 2025-11-15.

Allele frequency attached by ClinVar (database versions not stated): ExAC 0.00010; gnomAD 0.00010 and 0.00011; gnomAD exomes 0.00011; TOPMed 0.00013.

Submissions (2):

Labcorp Genetics (formerly Invitae), Labcorp
Classification: Uncertain significance. Last evaluated: 2025-11-15. Review status: criteria provided, single submitter. Criteria: Invitae Variant Classification Sherloc (09022015). Collection method: clinical testing. Allele origin: germline.
Comment: This sequence change replaces arginine, which is basic and polar, with histidine, which is basic and polar, at codon 44 of the PARS2 protein (p.Arg44His). This variant is present in population databases (rs769316105, gnomAD 0.1%). This variant has not been reported in the literature in individuals affected with PARS2-related conditions. ClinVar contains an entry for this variant (Variation ID: 1380810). An algorithm developed to predict the effect of missense changes on protein structure and function outputs the following: PolyPhen-2: "Benign". The histidine amino acid residue is found in multiple mammalian species, which suggests that this missense change does not adversely affect protein function. In summary, the available evidence is currently insufficient to determine the role of this variant in disease. Therefore, it has been classified as a Variant of Uncertain Significance.

GeneDx
Classification: Uncertain significance. Last evaluated: 2022-04-27. Review status: criteria provided, single submitter. Criteria: GeneDx Variant Classification Process June 2021. Collection method: clinical testing. Allele origin: germline. Affected: yes.
Comment: In silico analysis supports that this missense variant does not alter protein structure/function; Has not been previously published as pathogenic or benign to our knowledge

NM_152268.4(PARS2):c.131G>A (p.Arg44His)

Gene: PARS2 (prolyl-tRNA synthetase 2, mitochondrial; minus strand). Cytogenetic location: 1p32.3.
Variant type: single nucleotide variant.
Coding change: c.131G>A on transcript NM_152268.4 (MANE Select); coding-DNA position 131, G replaced by A.
Protein change: p.Arg44His; replaces arginine 44 with histidine.
Molecular consequence: missense variant.
Genome position (GRCh38, 1-based): chr1:54,759,031, C>T on the plus strand (G>A on the coding strand, the complement: PARS2 is on the minus strand). VCF-style: chr1-54759031-C-T. GRCh37 (hg19) VCF-style: chr1-55224704-C-T.
Other names: short protein forms R44H.
Identifiers: ClinVar variation 1380810 (VCV001380810.6), dbSNP rs769316105, ClinGen allele CA869545.
Genomic context (GRCh38, chr1:54,759,031, plus strand): 5'-TCAGATTTGTCCTGCAGGGAGAGCACCCGGTCTTCCCGAAGGTTCTGTGGCTGGAACACA[C>T]GAGACAGCAGCAGGCGCCGCCCTCTTCTTGGGGCACAGTGGTGAAACCTGCAAGGAACAT-3'
Protein context (NP_689481.2, residues 34-54): PRRGRRLLLS[Arg44His]VFQPQNLRED